The following is an entry in ClinVar:

NM_001103.4(ACTN2):c.2067G>T (p.Lys689Asn)

Gene: ACTN2 (actinin alpha 2; plus strand). Cytogenetic location: 1q43.
Variant type: single nucleotide variant.
Coding change: c.2067G>T on transcript NM_001103.4 (MANE Select); coding-DNA position 2067, G replaced by T.
Protein change: p.Lys689Asn; replaces lysine 689 with asparagine.
Molecular consequence: missense variant. On other transcripts: non-coding transcript variant (1).
Genome position (GRCh38, 1-based): chr1:236,755,111, G>T. VCF-style: chr1-236755111-G-T. GRCh37 (hg19) VCF-style: chr1-236918411-G-T.
Other names: c.2067G>T, p.Lys689Asn (NM_001278343.2); short protein forms K689N.
Identifiers: ClinVar variation 3751623 (VCV003751623.2).

ClinVar aggregate classification (germline): Uncertain significance (1 of 4 stars; one submission).

Conditions:
Primary familial hypertrophic cardiomyopathy (HCM). Identifiers: Orphanet 99739, MedGen C0949658, MeSH D024741, MONDO:0024573. Inheritance: Various modes of inheritance.
Dilated cardiomyopathy 1AA (CMD1AA). Also called: CARDIOMYOPATHY, DILATED, 1AA, WITH OR WITHOUT LEFT VENTRICULAR NONCOMPACTION; CARDIOMYOPATHY, FAMILIAL HYPERTROPHIC, 23, WITH OR WITHOUT LEFT VENTRICULAR NONCOMPACTION; Cardiomyopathy, dilated, 1AA, with or without LVNC. Identifiers: Orphanet 154, MedGen C2677338, MONDO:0012808, OMIM 612158.

Submission:

Labcorp Genetics (formerly Invitae), Labcorp
Classification: Uncertain significance for Primary familial hypertrophic cardiomyopathy; Dilated cardiomyopathy 1AA. Last evaluated: 2024-09-29. Review status: criteria provided, single submitter. Criteria: Invitae Variant Classification Sherloc (09022015). Collection method: clinical testing. Allele origin: germline.
Comment: This sequence change replaces lysine, which is basic and polar, with asparagine, which is neutral and polar, at codon 689 of the ACTN2 protein (p.Lys689Asn). This variant is not present in population databases (gnomAD no frequency). This variant has not been reported in the literature in individuals affected with ACTN2-related conditions. Invitae Evidence Modeling of protein sequence and biophysical properties (such as structural, functional, and spatial information, amino acid conservation, physicochemical variation, residue mobility, and thermodynamic stability) indicates that this missense variant is not expected to disrupt ACTN2 protein function with a negative predictive value of 80%. In summary, the available evidence is currently insufficient to determine the role of this variant in disease. Therefore, it has been classified as a Variant of Uncertain Significance.